The following is an entry in ClinVar:

ClinVar aggregate classification (germline): Pathogenic/Likely pathogenic. Review status: criteria provided, multiple submitters, no conflicts (2 of 4 stars). 3 submissions from 3 submitters: Pathogenic (1); Likely pathogenic (2). Last evaluated 2024-05-17.

Conditions:
Lysinuric protein intolerance (LPI). Identifiers: Orphanet 470, MedGen C0268647, MONDO:0009109, OMIM 222700.

Submissions (3):

Natera, Inc.
Classification: Likely pathogenic for Lysinuric protein intolerance. Last evaluated: 2024-05-17. Review status: criteria provided, single submitter. Criteria: Natera Variant Classification Schema (03/2026). Collection method: clinical testing. Allele origin: germline.
Comment: The c.516delT variant in SLC7A7 is a frameshift variant predicted to shift the reading frame beginning at codon 173 and leads to a stop codon 23 codons downstream. This variant is expected to result in nonsense mediated decay, truncation, or a dysfunctional protein product. This variant is rare in the general population with a frequency below the threshold expected for the associated phenotype(s). Given the available evidence, this variant is classified as Likely Pathogenic.

Baylor Genetics
Classification: Likely pathogenic for Lysinuric protein intolerance. Last evaluated: 2023-07-06. Review status: criteria provided, single submitter. Criteria: ACMG Guidelines, 2015. Collection method: clinical testing. Allele origin: unknown.

Labcorp Genetics (formerly Invitae), Labcorp
Classification: Pathogenic for Lysinuric protein intolerance. Last evaluated: 2019-11-09. Review status: criteria provided, single submitter. Criteria: Invitae Variant Classification Sherloc (09022015). Collection method: clinical testing. Allele origin: germline.
Comment: For these reasons, this variant has been classified as Pathogenic. Loss-of-function variants in SLC7A7 are known to be pathogenic (PMID: 10631139, 17764084). This sequence change creates a premature translational stop signal (p.Asn173Thrfs*23) in the SLC7A7 gene. It is expected to result in an absent or disrupted protein product. This variant is not present in population databases (ExAC no frequency). This variant has not been reported in the literature in individuals with SLC7A7-related conditions.

Literature cited by the submitters: PubMed 10631139 (cited by Labcorp Genetics (formerly Invitae), Labcorp); PubMed 17764084 (cited by Labcorp Genetics (formerly Invitae), Labcorp).

NM_003982.4(SLC7A7):c.516del (p.Asn173fs)

Gene: SLC7A7 (solute carrier family 7 member 7; minus strand). Cytogenetic location: 14q11.2.
Variant type: Deletion.
Coding change: c.516del on transcript NM_003982.4 (MANE Select); coding-DNA position 516, one base deleted (T; older notation c.516delT).
Protein change: p.Asn173fs; shifts the reading frame from asparagine 173.
Molecular consequence: frameshift variant.
Genome position (GRCh38, 1-based): chr14:22,780,035, A deleted on the plus strand (T on the coding strand, the reverse complement: SLC7A7 is on the minus strand); the first of 2 consecutive A bases (chr14:22,780,035-22,780,036); deleting either gives the same sequence. VCF-style (leftmost placement, unchanged base first): chr14-22780034-TA-T. GRCh37 (hg19) VCF-style: chr14-23249243-TA-T.
Other names: c.516delT (NM_001126106.2); c.516del, p.Asn173fs (NM_001126105.3, NM_001126106.4); short protein forms N173fs.
Identifiers: ClinVar variation 958892 (VCV000958892.9), dbSNP rs2038690553, ClinGen allele CA645594580.
Genomic context (GRCh38, chr14:22,780,034, plus strand): 5'-ATACTTTAGCATAGGTGAAAATATCTTGTACCAGGGTTCCCCATTTGACATAGGCACAGT[TA>T]ATGAAGGTTAAGAGACCTGAAAGAAAAATAATACTGATTGGTGACTTACCCTTACCACCC-3'